The following is an entry in ClinVar:

NM_001077706.3(ECT2L):c.452A>G (p.His151Arg)

Gene: ECT2L (epithelial cell transforming 2 like; plus strand). Cytogenetic location: 6q24.1.
Variant type: single nucleotide variant.
Coding change: c.452A>G on transcript NM_001077706.3 (MANE Select); coding-DNA position 452, A replaced by G.
Protein change: p.His151Arg; replaces histidine 151 with arginine.
Molecular consequence: missense variant.
Genome position (GRCh38, 1-based): chr6:138,843,088, A>G. VCF-style: chr6-138843088-A-G. GRCh37 (hg19) VCF-style: chr6-139164225-A-G.
Other names: c.452A>G, p.His151Arg (NM_001195037.2); c.452A>G (NM_001077706.2); short protein forms H151R.
Identifiers: ClinVar variation 134007 (VCV000134007.2), dbSNP rs587778243, ClinGen allele CA158399.

ClinVar aggregate classification (germline): Uncertain significance. Review status: criteria provided, single submitter (1 of 4 stars). 2 submissions from 2 submitters: Uncertain significance (1). 1 of the submissions does not count toward it. Last evaluated 2025-02-04.

Allele frequency attached by ClinVar (database versions not stated): gnomAD exomes below 0.00001; TOPMed 0.00001.

Submissions (2):

Ambry Genetics
Classification: Uncertain significance. Last evaluated: 2025-02-04. Review status: criteria provided, single submitter. Criteria: Ambry Variant Classification Scheme 2023. Collection method: clinical testing. Allele origin: germline.

ITMI
No classification provided. Condition: AllHighlyPenetrant. Last evaluated: 2013-09-19. Review status: no classification provided. Collection method: reference population. Allele origin: germline. Not counted in ClinVar's aggregate classification.
Comment: Please see associated publication for description of ethnicities

Literature cited by the submitters: PubMed 24728327 (cited by ITMI).